The following is an entry in ClinVar:

NM_000426.4(LAMA2):c.2507del (p.Pro836fs)

Gene: LAMA2 (laminin subunit alpha 2; plus strand). Cytogenetic location: 6q22.33.
Variant type: Deletion.
Coding change: c.2507del on transcript NM_000426.4 (MANE Select); coding-DNA position 2507, one base deleted (C; older notation c.2507delC).
Protein change: p.Pro836fs; shifts the reading frame from proline 836.
Molecular consequence: frameshift variant.
Genome position (GRCh38, 1-based): chr6:129,280,117, C deleted; the last of 3 consecutive C bases (chr6:129,280,115-129,280,117); deleting any one gives the same sequence. VCF-style (leftmost placement, unchanged base first): chr6-129280114-GC-G. GRCh37 (hg19) VCF-style: chr6-129601259-GC-G.
Other names: c.2507del, p.Pro836fs (NM_001079823.2); short protein forms P836fs.
Identifiers: ClinVar variation 5015342 (VCV005015342.1).

ClinVar aggregate classification (germline): Pathogenic (1 of 4 stars; one submission).

Conditions:
LAMA2-related muscular dystrophy (LAMA2-RD). Also called: Laminin alpha 2-related dystrophy. Identifiers: MedGen C5679788, MONDO:0100228.

Submission:

Myriad Genetics, Inc.
Classification: Pathogenic for LAMA2-related muscular dystrophy. Last evaluated: 2025-12-19. Review status: criteria provided, single submitter. Criteria: Myriad Autosomal Dominant, Autosomal Recessive and X-Linked Classification Criteria (2023). Collection method: clinical testing. Allele origin: unknown.
Comment: NM_000426.3(LAMA2):c.2507delC(P836Lfs*52) is expected to be pathogenic in the context of muscular dystrophy, LAMA2-related. This variant is predicted to lead to an abnormal or absent protein product due to the creation of a premature termination codon in LAMA2, a gene where loss-of-function variants are known to be pathogenic. Please note: this variant was assessed in the context of healthy population screening.